The following is an entry in ClinVar:

NM_000180.4(GUCY2D):c.94_105del (p.Ala32_Arg35del)

Gene: GUCY2D (guanylate cyclase 2D, retinal; plus strand). Cytogenetic location: 17p13.1.
Variant type: Deletion.
Coding change: c.94_105del on transcript NM_000180.4 (MANE Select); coding-DNA positions 94 to 105, 12 bases deleted (GCCCTGCCCCGG).
Protein change: p.Ala32_Arg35del.
Molecular consequence: inframe deletion.
Genome position (GRCh38, 1-based): chr17:8,003,141-8,003,152, GCCCTGCCCCGG deleted; deleting any 12 consecutive bases within chr17:8,003,135-8,003,152 gives the same sequence; the c. name uses the placement nearest the transcript's 3' end. VCF-style (leftmost placement, unchanged base first): chr17-8003134-CCCCCGGGCCCTG-C. GRCh37 (hg19) VCF-style: chr17-7906452-CCCCCGGGCCCTG-C.
Identifiers: ClinVar variation 2022622 (VCV002022622.4), dbSNP rs2545417306, ClinGen allele CA2576159849.

ClinVar aggregate classification (germline): Uncertain significance (1 of 4 stars; one submission).

Conditions:
Leber congenital amaurosis 1 (LCA1). Also called: Congenital absence of the rods and cones; Leber's congenital tapetoretinal degeneration; Leber's congenital tapetoretinal dysplasia; RETINAL BLINDNESS, CONGENITAL; AMAUROSIS CONGENITA OF LEBER I. Identifiers: Orphanet 65, MedGen C2931258, MONDO:0008764, OMIM 204000.
Cone-rod dystrophy 6 (CORD6). Also called: RETINAL CONE DYSTROPHY 2; Cone dystrophy progressive. Identifiers: Orphanet 1872, MedGen C1866293, MONDO:0011143, OMIM 601777.

Submission:

Labcorp Genetics (formerly Invitae), Labcorp
Classification: Uncertain significance for Leber congenital amaurosis 1; Cone-rod dystrophy 6. Last evaluated: 2025-01-13. Review status: criteria provided, single submitter. Criteria: Invitae Variant Classification Sherloc (09022015). Collection method: clinical testing. Allele origin: germline.
Comment: This variant, c.94_105del, results in the deletion of 4 amino acid(s) of the GUCY2D protein (p.Ala32_Arg35del), but otherwise preserves the integrity of the reading frame. This variant is not present in population databases (gnomAD no frequency). This variant has not been reported in the literature in individuals affected with GUCY2D-related conditions. ClinVar contains an entry for this variant (Variation ID: 2022622). Experimental studies and prediction algorithms are not available or were not evaluated, and the functional significance of this variant is currently unknown. In summary, the available evidence is currently insufficient to determine the role of this variant in disease. Therefore, it has been classified as a Variant of Uncertain Significance.